The following is an entry in ClinVar:

ClinVar aggregate classification (germline): Pathogenic (1 of 4 stars; one submission).

Conditions:
Salla disease (SD). Also called: Sialuria, Finnish type; N-acetylneuraminic acid (NANA) storage disease (NSD); Infantile sialic acid storage disorder (ISSD); Less Severe FSASD (Salla Disease). Identifiers: Orphanet 309334, Orphanet 834, MedGen C1096903, MONDO:0011449, OMIM 604369.

Submission:

Labcorp Genetics (formerly Invitae), Labcorp
Classification: Pathogenic for Salla disease. Last evaluated: 2026-01-23. Review status: criteria provided, single submitter. Criteria: Invitae Variant Classification Sherloc (09022015). Collection method: clinical testing. Allele origin: germline.
Comment: This sequence change inserts a large fragment of DNA, likely a transposable element, in exon 4 of the SLC17A5 gene (c.579_580ins?), causing a frameshift at codon 193 (p.Leu193fs). The exact size and sequence of the insertion cannot be determined by the current assay. However, the insertion is expected to result in an absent or disrupted protein product. This variant is not present in population databases (gnomAD no frequency). This variant has not been reported in the literature in individuals affected with SLC17A5-related conditions. ClinVar contains an entry for this variant (Variation ID: 1364804). Retrotransposon insertions including LINE1 (L1), Alu, and SVA (SINE-VNTR-Alu) have been reported to be disease-causing through disruption of either a coding region or splice site (PMID: 19763152, 20307669, 22406018) and loss-of-function variants in SLC17A5 are known to be pathogenic (PMID: 10581036, 10947946, 15172001). For these reasons, this variant has been classified as Pathogenic.

Literature cited by the submitters: PubMed 19763152; PubMed 20307669; PubMed 22406018; PubMed 10581036; PubMed 10947946; PubMed 15172001.

NM_012434.5(SLC17A5):c.579_580insTTTTTTTTTTTTTTTTTTTTNNNNNNNNNNCCCCCCCCCCCTCCCTCCCGGACGGGGCGGCTGGCCGGGCAGAGGGGCTCCTCACTTCCCAGTAGGGGCGGCCGGGCAGAGGGGGCTCCCCCTCTT (p.Leu193_Glu194insPhePhePhePhePhePheXaaXaaXaaXaaProProProProProSerArgThrGlyArgLeuAlaGlyGlnArgGlySerSerLeuProSerArgGlyGlyArgAlaGluGlyAlaProProLeu)

Gene: SLC17A5 (solute carrier family 17 member 5; minus strand). Cytogenetic location: 6q13.
Variant type: Insertion.
Coding change: c.579_580insTTTTTTTTTTTTTTTTTTTTNNNNNNNNNNCCCCCCCCCCCTCCCTCCCGGACGGGGCGGCTGGCCGGGCAGAGGGGCTCCTCACTTCCCAGTAGGGGCGGCCGGGCAGAGGGGGCTCCCCCTCTT on transcript NM_012434.5 (MANE Select); coding-DNA positions 579 to 580, TTTTTTTTTTTTTTTTTTTTNNNNNNNNNNCCCCCCCCCCCTCCCTCCCGGACGGGGCGGCTGGCCGGGCAGAGGGGCTCCTCACTTCCCAGTAGGGGCGGCCGGGCAGAGGGGGCTCCCCCTCTT inserted.
Protein change: p.Leu193_Glu194insPhePhePhePhePhePheXaaXaaXaaXaaProProProProProSerArgThrGlyArgLeuAlaGlyGlnArgGlySerSerLeuProSerArgGlyGlyArgAlaGluGlyAlaProProLeu.
Molecular consequence: inframe insertion.
Genome position: GRCh38: chr6:73,638,459-73,638,460. GRCh37 (hg19): chr6:74,348,182-74,348,183.
Other names: c.348_349insTTTTTTTTTTTTTTTTTTTTNNNNNNNNNNCCCCCCCCCCCTCCCTCCCGGACGGGGCGGCTGGCCGGGCAGAGGGGCTCCTCACTTCCCAGTAGGGGCGGCCGGGCAGAGGGGGCTCCCCCTCTT, p.Leu116_Glu117insPhePhePhePhePhePheXaaXaaXaaXaaProProProProProSerArgThrGlyArgLeuAlaGlyGlnArgGlySerSerLeuProSerArgGlyGlyArgAlaGluGlyAlaProProLeu (NM_001382629.1, NM_001382636.1); c.579_580insTTTTTTTTTTTTTTTTTTTTNNNNNNNNNNCCCCCCCCCCCTCCCTCCCGGACGGGGCGGCTGGCCGGGCAGAGGGGCTCCTCACTTCCCAGTAGGGGCGGCCGGGCAGAGGGGGCTCCCCCTCTT, p.Leu193_Glu194insPhePhePhePhePhePheXaaXaaXaaXaaProProProProProSerArgThrGlyArgLeuAlaGlyGlnArgGlySerSerLeuProSerArgGlyGlyArgAlaGluGlyAlaProProLeu (NM_001382630.1, NM_001382632.1, NM_001382633.1 and 2 more transcripts); c.600_601insTTTTTTTTTTTTTTTTTTTTNNNNNNNNNNCCCCCCCCCCCTCCCTCCCGGACGGGGCGGCTGGCCGGGCAGAGGGGCTCCTCACTTCCCAGTAGGGGCGGCCGGGCAGAGGGGGCTCCCCCTCTT, p.Leu200_Glu201insPhePhePhePhePhePheXaaXaaXaaXaaProProProProProSerArgThrGlyArgLeuAlaGlyGlnArgGlySerSerLeuProSerArgGlyGlyArgAlaGluGlyAlaProProLeu (NM_001382631.1).
Identifiers: ClinVar variation 1364804 (VCV001364804.6), dbSNP rs2150115214.